The following is an entry in ClinVar:

ClinVar aggregate classification (germline): Pathogenic/Likely pathogenic. Review status: criteria provided, multiple submitters, no conflicts (2 of 4 stars). 13 submissions from 13 submitters: Pathogenic (9); Likely pathogenic (3). 1 of the submissions does not count toward it. Last evaluated 2025-12-02.

Conditions:
Leigh syndrome (NULS). Also called: Leigh's necrotizing encephalopathy; Leigh's disease; Leigh's syndrome; Leigh Disease; Subacute necrotizing encephalopathy; Necrotizing encephalopathy infantile subacute of Leigh. Identifiers: Orphanet 506, MedGen C2931891, MONDO:0009723, OMIM 256000.
NDUFV1-related disorder. Also called: NDUFV1-related disorders; NDUFV1-related condition.
Mitochondrial complex I deficiency, nuclear type. Identifiers: MedGen CN263238, MONDO:0100223.
Mitochondrial complex I deficiency, nuclear type 4. Also called: Mitochondrial complex 1 deficiency, nuclear type 4. Identifiers: MedGen C4748753, MONDO:0032609, OMIM 618225.

Allele frequency attached by ClinVar (database versions not stated): gnomAD exomes 0.00003 and 0.00004; gnomAD 0.00009; TOPMed 0.00010; 1000 Genomes Project 0.00020; 1000 Genomes Project 30x 0.00031; ExAC 0.00001.

Submissions 1 to 6 of 13:

GeneDx
Classification: Pathogenic. Last evaluated: 2025-12-02. Review status: criteria provided, single submitter. Criteria: GeneDx Variant Classification Process June 2021. Collection method: clinical testing. Allele origin: germline. Affected: yes.
Comment: Published functional studies demonstrate a damaging effect on complex I activity (PMID: 26345448); In silico analysis supports that this missense variant has a deleterious effect on protein structure/function; This variant is associated with the following publications: (PMID: 28441825, 29976978, 24365713, 25525159, 31665838, 23562761, 27126960, Nurun2021[Article], 34740920, 35586607, 36896486, 35482246, 35803560, 34807224, 26024641, 25615419, 22644603, 21364701, 28906460, 31324802, 36462614, 26345448, 21696386, 20818383)

Labcorp Genetics (formerly Invitae), Labcorp
Classification: Pathogenic. Last evaluated: 2025-11-25. Review status: criteria provided, single submitter. Criteria: Invitae Variant Classification Sherloc (09022015). Collection method: clinical testing. Allele origin: germline.
Comment: This sequence change replaces arginine, which is basic and polar, with histidine, which is basic and polar, at codon 386 of the NDUFV1 protein (p.Arg386His). This variant is present in population databases (rs536758576, gnomAD 0.04%). This missense change has been observed in individual(s) with clinical features of mitochondrial complex I deficiency (PMID: 20818383, 26345448, 35482246). In at least one individual the data is consistent with being in trans (on the opposite chromosome) from a pathogenic variant. ClinVar contains an entry for this variant (Variation ID: 496918). Invitae Evidence Modeling of protein sequence and biophysical properties (such as structural, functional, and spatial information, amino acid conservation, physicochemical variation, residue mobility, and thermodynamic stability) indicates that this missense variant is expected to disrupt NDUFV1 protein function with a positive predictive value of 95%. Experimental studies have shown that this missense change affects NDUFV1 function (PMID: 26345448). This variant disrupts the p.Arg386 amino acid residue in NDUFV1. Other variant(s) that disrupt this residue have been determined to be pathogenic (PMID: 26024641, 29353736, 29948731). This suggests that this residue is clinically significant, and that variants that disrupt this residue are likely to be disease-causing. For these reasons, this variant has been classified as Pathogenic.

Broad Center for Mendelian Genomics, Broad Institute of MIT and Harvard
Classification: Likely pathogenic for Mitochondrial complex I deficiency, nuclear type. Last evaluated: 2024-10-07. Review status: criteria provided, single submitter. Criteria: ACMG Guidelines, 2015. Collection method: curation. Allele origin: germline. Inheritance: Autosomal recessive inheritance.
Comment: The variant has been reported in 5 individuals of Moroccan and unknown ethnicity with mitochondrial complex I deficiency (PMID: 21696386, 27126960, 20818383), segregated with disease in one affected relative from one family (PMID: 21696386). Of the 5 affected individuals, 2 siblings were homozygotes, which increases the likelihood that the p.Arg386His variant is pathogenic (PMID: 21696386). The p.Arg386His variant has been identified in In 0.03% (19/75000) of African/African American chromosomes by the Genome Aggregation Database (gnomAD; dbSNP ID: rs536758576). Although this variant has been seen in the general population, its frequency is not high enough to rule out a pathogenic role. This variant has also been reported in ClinVar (Variation ID: 496918) as pathogenic by multiple sources. In vitro functional studies provide some evidence that the variant may slightly impact protein function (PMID: 27126960). However, these types of assays may not accurately represent biological function. Computational prediction tools and conservation analyses suggest that this variant may impact the protein, though this information is not predictive enough to determine pathogenicity. The variant is located in a region of NDUFV1 that is essential to protein folding and stability, suggesting that this variant is in a functional domain and slightly supports pathogenicity (PMID: 29976978, 21696386, 23562761). Two additional pathogenic variants, resulting in a different amino acid change at the same position, p.Arg386Leu and p.Arg386Cys, have been reported in association with disease in ClinVar, supporting that a change at this position may not be tolerated (Variation ID: 1465562, 419230). In summary, although additional studies are required to fully establish its clinical significance, this variant is likely pathogenic for autosomal recessive mitochondrial complex I deficiency. ACMG/AMP Criteria applied: PP3_moderate, PM5, PM3_supporting, PM1_supporting, PS3_supporting (Richards 2015).

Fulgent Genetics
Classification: Pathogenic for Mitochondrial complex I deficiency, nuclear type 4. Last evaluated: 2024-04-09. Review status: criteria provided, single submitter. Criteria: ACMG Guidelines, 2015. Collection method: clinical testing. Allele origin: germline.

Neuberg Centre For Genomic Medicine, NCGM
Classification: Pathogenic for Mitochondrial complex I deficiency, nuclear type 4. Last evaluated: 2023-06-22. Review status: criteria provided, single submitter. Criteria: ACMG Guidelines, 2015. Collection method: clinical testing. Allele origin: germline. Inheritance: Autosomal recessive inheritance. Affected: yes.
Comment: The missense c.1157G>A(p.Arg386His) variant in NDUFV1 gene has been reported previously in homozygous and compound heterozygous states in multiple individuals affected with mitochondrial complex I deficiency (French CE, et al., 2022; Tang X, et al., 2022; Varghese F, et al., 2015; Calvo SE, et al., 2010). This variant has also been observed to segregate with disease in related individuals. Experimental studies have shown that this missense variant affects NDUFV1 function (Varghese F, et al., 2015). The p.Arg386His variant is present with allele frequency of 0.004% in gnomAD Exomes. This variant has been reported to the ClinVar database as Uncertain Significance / Likely Pathogenic / Pathogenic (multiple submissions). Multiple lines of computational evidences (Polyphen - Probably damaging, SIFT - Damaging and MutationTaster - Disease causing) predict a damaging effect on protein structure and function for this variant. The reference amino acid at this position on NDUFV1 gene is predicted as conserved by GERP++ and PhyloP across 100 vertebrates. The amino acid Arg at position 386 is changed to a His changing protein sequence and it might alter its composition and physico-chemical properties. Another missense variant [c.1156C>T (p.Arg386Cys)] on the same residue of this gene has previously been reported to be Pathogenic / disease causing (Varghese F, et al., 2015), suggesting that this residue might be of clinical significance. For these reasons, this variant has been classified as Pathogenic.

Women's Health and Genetics/Laboratory Corporation of America, LabCorp
Classification: Pathogenic for Leigh syndrome. Last evaluated: 2023-06-16. Review status: criteria provided, single submitter. Criteria: LabCorp Variant Classification Summary - May 2015. Collection method: clinical testing. Allele origin: germline.
Comment: Variant summary: NDUFV1 c.1157G>A (p.Arg386His) results in a non-conservative amino acid change located in the iron-sulphur binding domain (IPR019575) of the encoded protein sequence. Five of five in-silico tools predict a damaging effect of the variant on protein function. The variant allele was found at a frequency of 3.6e-05 in 251346 control chromosomes (gnomAD). c.1157G>A has been reported in the literature as a biallelic genotype in multiple individuals affected with Leigh Syndrome/complex I deficiency who have been comprehensively genotyped (sequencing/homozygosity mapping approaches) (e.g. Calvo_2010, Swalwell_2011, Vilain_2012, French_2022, Tang_2022). These data indicate that the variant is very likely to be associated with disease. An experimental study evaluating the impact of the variant on protein function in a yeast model system reported decreased flavin content, intermediate complex 1 activity, and slight destablilization; however, these findings do not necessarily allow for convincing conclusions about the variant effect in vivo due to the nature of the experimental system employed (Varghese_2015). Another variant affecting the same amino acid (c.1156C>T, p.Arg386Cys) has also been observed in affected individuals and is classified as pathogenic/likely pathogenic in ClinVar, suggesting that R386 may be important for protein function. The following publications have been ascertained in the context of this evaluation (PMID: 25615419, 20818383, 23562761, 29976978, 21364701, 26345448, 21696386, 35586607, 35482246). Seven submitters have provided clinical-significance assessments for this variant to ClinVar after 2014 and classified the variant as either pathogenic (n=5)/likely pathogenic (n=1) or VUS (n=1). Based on the evidence outlined above, the variant was classified as pathogenic.

NM_007103.4(NDUFV1):c.1157G>A (p.Arg386His)

Genes: NDUFV1 (NADH:ubiquinone oxidoreductase core subunit V1; plus strand), LOC126861242 (CDK7 strongly-dependent group 2 enhancer GRCh37_chr11:67379204-67380403; plus strand). Cytogenetic location: 11q13.2.
Variant type: single nucleotide variant.
Coding change: c.1157G>A on transcript NM_007103.4 (MANE Select); coding-DNA position 1157, G replaced by A.
Protein change: p.Arg386His; replaces arginine 386 with histidine.
Molecular consequence: missense variant.
Genome position (GRCh38, 1-based): chr11:67,611,973, G>A. VCF-style: chr11-67611973-G-A. GRCh37 (hg19) VCF-style: chr11-67379444-G-A.
Other names: c.1130G>A, p.Arg377His (NM_001166102.2); short protein forms R386H, R377H.
Identifiers: ClinVar variation 496918 (VCV000496918.41), dbSNP rs536758576, ClinGen allele CA6143414.
Genomic context (GRCh38, chr11:67,611,973, plus strand): 5'-CCATCGCCCGCCTCATTGAGTTCTATAAGCACGAGAGCTGTGGCCAGTGTACCCCATGCC[G>A]TGAGGGTGAGCATCGGGCAGGTTGGGGGCTTGCTTGCTGTGGCTTCATTTAACCTCCTCC-3'
Protein context (NP_009034.2, residues 376-396): HESCGQCTPC[Arg386His]EGVDWMNKVM